The following is an entry in ClinVar:

ClinVar aggregate classification (germline): Conflicting classifications of pathogenicity. Review status: criteria provided, conflicting classifications (1 of 4 stars). 3 submissions from 3 submitters: Likely pathogenic (1); Uncertain significance (2). Last evaluated 2025-03-10.

Conditions:
Noonan syndrome 10 (NS10). Identifiers: Orphanet 648, MedGen C4225280, MONDO:0014693, OMIM 616564.

Submissions (3):

Labcorp Genetics (formerly Invitae), Labcorp
Classification: Uncertain significance. Last evaluated: 2025-03-10. Review status: criteria provided, single submitter. Criteria: Invitae Variant Classification Sherloc (09022015). Collection method: clinical testing. Allele origin: germline.
Comment: This sequence change replaces proline, which is neutral and non-polar, with leucine, which is neutral and non-polar, at codon 225 of the LZTR1 protein (p.Pro225Leu). This variant is not present in population databases (gnomAD no frequency). This missense change has been observed in individual(s) with Noonan syndrome (PMID: 36304179). ClinVar contains an entry for this variant (Variation ID: 3069135). Invitae Evidence Modeling of protein sequence and biophysical properties (such as structural, functional, and spatial information, amino acid conservation, physicochemical variation, residue mobility, and thermodynamic stability) indicates that this missense variant is not expected to disrupt LZTR1 protein function with a negative predictive value of 80%. In summary, the available evidence is currently insufficient to determine the role of this variant in disease. Therefore, it has been classified as a Variant of Uncertain Significance.

GeneDx
Classification: Uncertain significance. Last evaluated: 2024-12-08. Review status: criteria provided, single submitter. Criteria: GeneDx Variant Classification Process June 2021. Collection method: clinical testing. Allele origin: germline. Affected: yes.
Comment: Not observed at significant frequency in large population cohorts (gnomAD); In silico analysis supports that this missense variant has a deleterious effect on protein structure/function; This variant is associated with the following publications: (PMID: 36304179)

Laboratorio de Biologia Molecular/Medicina Genomica - IFF/Fiocruz, Instituto Fernandes Figueira, Fundacao Oswaldo Cruz
Classification: Likely pathogenic for Noonan syndrome 10. Last evaluated: 2020-11-04. Review status: criteria provided, single submitter. Criteria: ACMG Guidelines, 2015. Collection method: clinical testing. Allele origin: germline. Inheritance: Autosomal dominant inheritance. Affected: yes. Observed: 1 variant allele.
Comment: The heterozygous c.674C>T (p.Pro225Leu) variant is located in coding exon 8 of the LZTR1 gene, resulting in a missense change. Segregation analysis revealed the presence of the variant in two individuals with NS phenotype. This change has not been reported previously in the literature or described in the public genomic databases (gnomAD, aBraOM). This is a non-conservative amino acid substitution located in the kelch domain of the LZTR1 protein and was classified as probably damaging by in silico prediction (MutationTaster, PolyPhen-2, SIFT, and PROVEAN). Comparative modeling analysis showed local and global changes in the secondary and tertiary structures, showing a decrease of about 1% in the beta-sheet content. Furthermore, evolutionary conservation indicated that Pro225 is in a highly conserved region, as observed for known dominant pathogenic missense variants in this protein.

Literature cited by the submitters: PubMed 36304179 (cited by Labcorp Genetics (formerly Invitae), Labcorp).

NM_006767.4(LZTR1):c.674C>T (p.Pro225Leu)

Gene: LZTR1 (leucine zipper like post translational regulator 1; plus strand). Cytogenetic location: 22q11.21.
Variant type: single nucleotide variant.
Coding change: c.674C>T on transcript NM_006767.4 (MANE Select); coding-DNA position 674, C replaced by T.
Protein change: p.Pro225Leu; replaces proline 225 with leucine.
Molecular consequence: missense variant.
Genome position (GRCh38, 1-based): chr22:20,990,408, C>T. VCF-style: chr22-20990408-C-T. GRCh37 (hg19) VCF-style: chr22-21344697-C-T.
Other names: short protein forms P225L.
Identifiers: ClinVar variation 3069135 (VCV003069135.6).